The following is an entry in ClinVar:

NM_001349253.2(SCN11A):c.869A>C (p.Asn290Thr)

Gene: SCN11A (sodium voltage-gated channel alpha subunit 11; minus strand). Cytogenetic location: 3p22.2.
Variant type: single nucleotide variant.
Coding change: c.869A>C on transcript NM_001349253.2 (MANE Select); coding-DNA position 869, A replaced by C.
Protein change: p.Asn290Thr; replaces asparagine 290 with threonine.
Molecular consequence: missense variant.
Genome position (GRCh38, 1-based): chr3:38,921,099, T>G on the plus strand (A>C on the coding strand, the complement: SCN11A is on the minus strand). VCF-style: chr3-38921099-T-G. GRCh37 (hg19) VCF-style: chr3-38962590-T-G.
Other names: c.869A>C, p.Asn290Thr (NM_014139.3); short protein forms N290T.
Identifiers: ClinVar variation 1424308 (VCV001424308.8), dbSNP rs1422223456, ClinGen allele CA352171933.

ClinVar aggregate classification (germline): Uncertain significance (1 of 4 stars; one submission).

Conditions:
Hereditary sensory and autonomic neuropathy type 7. Also called: Neuropathy, hereditary sensory and autonomic, type VII; HSAN VII. Identifiers: Orphanet 391397, MedGen C3809882, MONDO:0014244, OMIM 615548.
Familial episodic pain syndrome with predominantly lower limb involvement. Also called: Episodic pain syndrome, familial, 3. Identifiers: Orphanet 391384, Orphanet 391392, MedGen C3809899, MONDO:0014247, OMIM 615552.

Allele frequency attached by ClinVar (database versions not stated): gnomAD 0.00001.
gnomAD v4.1: 1 of 1,613,908 alleles (0.000062%); highest among the groups gnomAD compares: African/African-American, 0.0013%; no homozygotes.

Submission:

Labcorp Genetics (formerly Invitae), Labcorp
Classification: Uncertain significance for Familial episodic pain syndrome with predominantly lower limb involvement; Hereditary sensory and autonomic neuropathy type 7. Last evaluated: 2020-11-29. Review status: criteria provided, single submitter. Criteria: Invitae Variant Classification Sherloc (09022015). Collection method: clinical testing. Allele origin: germline.
Comment: Algorithms developed to predict the effect of missense changes on protein structure and function (SIFT, PolyPhen-2, Align-GVGD) all suggest that this variant is likely to be tolerated, but these predictions have not been confirmed by published functional studies and their clinical significance is uncertain. This variant has not been reported in the literature in individuals with SCN11A-related conditions. This variant is not present in population databases (ExAC no frequency). This sequence change replaces asparagine with threonine at codon 290 of the SCN11A protein (p.Asn290Thr). The asparagine residue is weakly conserved and there is a small physicochemical difference between asparagine and threonine. In summary, the available evidence is currently insufficient to determine the role of this variant in disease. Therefore, it has been classified as a Variant of Uncertain Significance.